The following is an entry in ClinVar:

ClinVar aggregate classification (germline): Uncertain significance (1 of 4 stars; one submission).

Submission:

GeneDx
Classification: Uncertain significance. Last evaluated: 2018-02-08. Review status: criteria provided, single submitter. Criteria: GeneDx Variant Classification (06012015). Collection method: clinical testing. Allele origin: germline. Affected: yes.
Comment: A variant of uncertain significance has been identified in the SMAD4 gene. The c.741 A>G variant has not been published as pathogenic or been reported as benign to our knowledge. Although the c.741 A>G variant results in a synonymous amino acid substitution (G247=), this nucleotide substitution occurs at a position that is conserved across species. Furthermore, the c.741 A>G variant was not observed in large population cohorts (Lek et al., 2016). However, in silico splice prediction programs do not predict c.741 A>G has an impact on gene splicing. Nevertheless, in the absence of functional mRNA studies, the physiological consequence of this variant cannot be precisely determined.

NM_005359.6(SMAD4):c.741A>G (p.Gly247=)

Gene: SMAD4 (SMAD family member 4; plus strand). Cytogenetic location: 18q21.2.
Variant type: single nucleotide variant.
Coding change: c.741A>G on transcript NM_005359.6 (MANE Select); coding-DNA position 741, A replaced by G.
Protein change: p.Gly247=; no amino-acid change (glycine 247 retained).
Molecular consequence: synonymous variant.
Genome position (GRCh38, 1-based): chr18:51,058,198, A>G. VCF-style: chr18-51058198-A-G. GRCh37 (hg19) VCF-style: chr18-48584568-A-G.
Identifiers: ClinVar variation 504256 (VCV000504256.1), dbSNP rs1555685919, ClinGen allele CA503993910.
Genomic context (GRCh38, chr18:51,058,198, plus strand): 5'-TATACTGGGGGGCAGCCATAGTGAAGGACTGTTGCAGATAGCATCAGGGCCTCAGCCAGG[A>G]CAGCAGCAGAATGGATTTACTGGTCAGCCAGCTACTTACCATCATAGTATGTACATACTT-3'
Protein context (NP_005350.1, residues 237-257): LLQIASGPQP[Gly247=]QQQNGFTGQP